The following is an entry in ClinVar:

NM_004329.3(BMPR1A):c.1131del (p.Cys376_Cys377insTer)

Gene: BMPR1A (bone morphogenetic protein receptor type 1A; plus strand). Cytogenetic location: 10q23.2.
Variant type: Deletion.
Coding change: c.1131del on transcript NM_004329.3 (MANE Select); coding-DNA position 1131, one base deleted (C; older notation c.1131delC).
Protein change: p.Cys376_Cys377insTer.
Molecular consequence: nonsense. On other transcripts: non-coding transcript variant (3).
Genome position (GRCh38, 1-based): chr10:86,919,434, C deleted. VCF-style (leftmost placement, unchanged base first): chr10-86919433-GC-G. GRCh37 (hg19) VCF-style: chr10-88679190-GC-G.
Other names: c.1047del, p.Cys348_Cys349insTer (NM_001406585.1, NM_001406586.1, NM_001406587.1 and 2 more transcripts); c.789del, p.Cys262_Cys263insTer (NM_001406589.1); c.1206del, p.Cys401_Cys402insTer (NM_001406559.1); c.1179del, p.Cys392_Cys393insTer (NM_001406560.1); c.1131del, p.Cys376_Cys377insTer (NM_001406561.1, NM_001406562.1, NM_001406563.1 and 19 more transcripts); c.1125del, p.Cys374_Cys375insTer (NM_001406583.1).
Identifiers: ClinVar variation 2752693 (VCV002752693.3), dbSNP rs2539623320, ClinGen allele CA2697558529.
Genomic context (GRCh38, chr10:86,919,433, plus strand): 5'-CAATTGCTCATCGAGACCTAAAGAGCAAAAACATCCTCATCAAGAAAAATGGGAGTTGCT[GC>G]ATTGCTGACCTGGGCCTTGCTGTTAAATTCAACAGGTGAGTGGTTCTTTGCCCCACTGTT-3'

ClinVar aggregate classification (germline): Pathogenic (1 of 4 stars; one submission).

Conditions:
Juvenile polyposis syndrome (JPS). Identifiers: Orphanet 2929, MedGen C0345893, MONDO:0017380, OMIM 174900.

Submission:

Labcorp Genetics (formerly Invitae), Labcorp
Classification: Pathogenic for Juvenile polyposis syndrome. Last evaluated: 2023-08-16. Review status: criteria provided, single submitter. Criteria: Invitae Variant Classification Sherloc (09022015). Collection method: clinical testing. Allele origin: germline.
Comment: This variant is not present in population databases (gnomAD no frequency). This variant has not been reported in the literature in individuals affected with BMPR1A-related conditions. For these reasons, this variant has been classified as Pathogenic. This sequence change creates a premature translational stop signal (p.Cys377*) in the BMPR1A gene. It is expected to result in an absent or disrupted protein product. Loss-of-function variants in BMPR1A are known to be pathogenic (PMID: 11536076, 12417513).

Literature cited by the submitters: PubMed 11536076; PubMed 12417513.